The following is an entry in ClinVar:

ClinVar aggregate classification (germline): Benign. Review status: reviewed by expert panel (3 of 4 stars). 12 submissions from 12 submitters: Benign (1). 11 of the submissions do not count toward it. Last evaluated 2024-06-11.
ClinVar aggregate classification (somatic clinical impact): Tier III - Unknown. Review status: no assertion criteria provided (0 of 4 stars). 8 submissions from 1 submitter.

Conditions:
BRCA2-related cancer predisposition. Identifiers: MedGen CN377758, MONDO:0700269.
Hereditary cancer-predisposing syndrome. Also called: Neoplastic Syndromes, Hereditary; Tumor predisposition; Hereditary Cancer Syndrome; Hereditary neoplastic syndrome. Identifiers: Orphanet 140162, MedGen C0027672, MeSH D009386, MONDO:0015356.
Hereditary breast ovarian cancer syndrome. Also called: Breast and ovarian cancer; BRCA1- and BRCA2-Associated Hereditary Breast and Ovarian Cancer; Hereditary breast and ovarian cancer syndrome; Hereditary breast and/or ovarian cancer syndrome; Hereditary breast and ovarian cancer syndrome (HBOC); Hereditary breast and ovarian cancer. Identifiers: Orphanet 145, MedGen C0677776, MeSH D061325, MONDO:0003582. Disease mechanism: loss of function.
Breast-ovarian cancer, familial, susceptibility to, 2 (BROVCA2). Also called: BRCA2 Hereditary Breast and Ovarian Cancer. Identifiers: Orphanet 145, MedGen C2675520, MONDO:0012933, OMIM 612555. Disease mechanism: loss of function.
Lung cancer. Also called: Lung cancer, somatic; Malignant tumor of lung. Identifiers: MedGen C0242379, MONDO:0008903, OMIM 211980.
Spindle cell sarcoma. Identifiers: MedGen C0205945, MeSH D012509, MONDO:0002927.
Adenoid cystic carcinoma. Also called: Adenocystic carcinoma. Identifiers: MedGen C0010606, MeSH D003528, MONDO:0004971.
Colorectal cancer. Also called: Malignant Colorectal Neoplasm; Colorectal cancer, somatic. Identifiers: MedGen C0346629, MONDO:0005575, OMIM 114500.
Familial pancreatic carcinoma. Identifiers: Orphanet 1333, MedGen C2931038, MONDO:0015278, OMIM 260350.
Hereditary diffuse gastric adenocarcinoma (HDGC). Also called: DIFFUSE GASTRIC AND LOBULAR BREAST CANCER SYNDROME. Identifiers: Orphanet 26106, MedGen C1708349, MONDO:0007648, OMIM 137215.
Glioma susceptibility 1 (GLM1). Also called: Glioblastoma, somatic. Identifiers: MedGen C2750850, MONDO:0024498, OMIM 137800.
Familial cancer of breast. Also called: Hereditary breast cancer; hereditary breast carcinoma; BREAST CANCER, FAMILIAL. Identifiers: Orphanet 227535, MedGen C0346153, MONDO:0016419, OMIM 114480. Disease mechanism: loss of function.

Submissions (22):

ClinGen ENIGMA BRCA1 and BRCA2 Variant Curation Expert Panel, ClinGen
Classification: Benign for BRCA2-related cancer predisposition. Last evaluated: 2024-06-11. Review status: reviewed by expert panel. Criteria: CSpec BRCA1/2ACMG Rules Specifications V1.0. Collection method: curation. Allele origin: germline. Inheritance: Autosomal dominant inheritance.
Comment: The c.68-7del variant is an intronic variant occurring in intron 2 of the BRCA2 gene. The highest non-cancer, non-founder population filter allele frequency in gnomAD v2.1 (exomes only, non-cancer subset, read depth >=20) or gnomAD v3.1 (non-cancer subset, read depth >=20) is 0.00002293 in the Latino/Admixed American population which is within the ENIGMA BRCA1/2 VCEP threshold (>0.00002 to <= 0.0001) for BS1_Supporting (BS1_Supporting met). This BRCA2 intronic variant is outside of the native donor and acceptor 1,2 splice sites, and SpliceAI predictor score of 0.04 suggests that the variant has no impact on splicing (score threshold <0.10) (BP4 met). This is an intronic variant, and mRNA experimental analysis indicates no impact on splicing (PMIDs: 10534775, 21673748, 22505045), considered strong evidence against pathogenicity (BP7_Strong (RNA)). Reported by one calibrated study to exhibit protein function similar to benign control variants (PMID: 35979650) (BS3 met). Multifactorial likelihood ratio analysis using clinically calibrated data produced a combined LR for this variant of 0.32 (based on Pathology LR=0.32), within the thresholds for Supporting benign evidence (LR 0.23-0.48) (BP5 met; PMID: 35979650). In summary, this variant meets the criteria to be classified as a Benign variant for BRCA2-related cancer predisposition based on the ACMG/AMP criteria applied as specified by the ENIGMA BRCA1/2 VCEP (BS1_Supporting, BP4, BP7_Strong (RNA), BS3, BP5).

Center for Genomic Medicine, Rigshospitalet, Copenhagen University Hospital
Classification: Benign. Last evaluated: 2025-12-29. Review status: criteria provided, single submitter. Criteria: ACMG Guidelines, 2015. Collection method: clinical testing. Allele origin: germline. Not counted in ClinVar's aggregate classification.

Labcorp Genetics (formerly Invitae), Labcorp
Classification: Benign for Hereditary breast ovarian cancer syndrome. Last evaluated: 2025-12-14. Review status: criteria provided, single submitter. Criteria: Invitae Variant Classification Sherloc (09022015). Collection method: clinical testing. Allele origin: germline. Not counted in ClinVar's aggregate classification.

Blueprint Genetics
Classification: Likely benign. Last evaluated: 2024-10-22. Review status: criteria provided, single submitter. Criteria: ACMG Guidelines, 2015. Collection method: clinical testing. Allele origin: germline. Not counted in ClinVar's aggregate classification.

German Consortium for Hereditary Breast and Ovarian Cancer, University Hospital Cologne
Classification: Benign for Hereditary breast ovarian cancer syndrome. Last evaluated: 2024-05-03. Review status: criteria provided, single submitter. Criteria: ClinGen BRCA2 V1.0.0. Collection method: curation. Allele origin: germline. Not counted in ClinVar's aggregate classification.
Comment: In summary, this variant meets the criteria to be classified as a Benign variant for BRCA2-related cancer predisposition based on the ACMG/AMP criteria applied as specified by the ENIGMA BRCA1/2 VCEP (BS1_Supporting, BP4, BP7_Strong (RNA), BS3, BP5) see entry by ENIGMA for details; According to the ClinGen ENIGMA BRCA2 v1.0.0 criteria we chose these criteria: BP4 (supporting benign): ENIGMA, BP5 (supporting benign): ENIGMA, BP7 (strong benign): ENIGMA, BS1 (supporting benign): ENIGMA, BS3 (strong benign): ENIGMA

Sema4
Classification: Uncertain significance for Hereditary cancer-predisposing syndrome. Last evaluated: 2021-09-14. Review status: criteria provided, single submitter. Criteria: Sema4 Curation Guidelines. Collection method: curation. Allele origin: germline. Not counted in ClinVar's aggregate classification.
Comment: The BRCA2 c.68-7delT variant, also known as 296-7delT, has been reported in heterozygosity in at least two individuals with breast cancer (PMID: 17333343). RT-PCR in an endometrial tumor showed the variant may cause skipping of exon 3 (PMID: 10451700). However, the clinical significance of exon 3 skipping is difficult to interpret, because exon 3 undergoes alternative splicing in many normal tissues, including the mammary gland (PMID: 17333343). It was observed in 47/23298 chromosomes of the South Asian subpopulation, with no homozygotes, in the large and broad cohorts of the Genome Aggregation Database (PMID: 32461654). This allele frequency is higher than expected for a pathogenic variant, but a deleterious role in certain genetic backgrounds cannot be ruled out. The variant has been reported in ClinVar (Variation ID 52188). The evidence is insufficient to meet ACMG/AMP criteria for classifying the variant as benign or pathogenic. Thus, the clinical significance of this variant is currently uncertain.

GeneDx
Classification: Benign. Last evaluated: 2019-01-15. Review status: criteria provided, single submitter. Criteria: GeneDx Variant Classification Process June 2021. Collection method: clinical testing. Allele origin: germline. Affected: yes. Not counted in ClinVar's aggregate classification.
Comment: This variant is associated with the following publications: (PMID: 10023017, 10451700, 17333343, 10534775)

Department of Pathology and Molecular Medicine, Queen's University
Classification: Uncertain significance. Last evaluated: 2017-04-20. Review status: criteria provided, single submitter. Criteria: ACMG Guidelines, 2015. Collection method: clinical testing. Allele origin: germline. Study: The Canadian Open Genetics Repository (COGR). Not counted in ClinVar's aggregate classification.

Color Diagnostics, LLC DBA Color Health
Classification: Benign for Hereditary cancer-predisposing syndrome. Last evaluated: 2016-09-16. Review status: criteria provided, single submitter. Criteria: ACMG Guidelines, 2015. Collection method: clinical testing. Allele origin: germline. Not counted in ClinVar's aggregate classification.

Institute for Biomarker Research, Medical Diagnostic Laboratories, L.L.C.
Classification: Uncertain significance for Hereditary breast ovarian cancer syndrome. Last evaluated: 2016-04-25. Review status: criteria provided, single submitter. Criteria: ACMG Guidelines, 2015. Collection method: clinical testing. Allele origin: germline. Not counted in ClinVar's aggregate classification.

Ambry Genetics
Classification: Benign for Hereditary cancer-predisposing syndrome. Last evaluated: 2014-11-19. Review status: criteria provided, single submitter. Criteria: Ambry Variant Classification Scheme 2023. Collection method: clinical testing. Allele origin: germline. Not counted in ClinVar's aggregate classification.

Breast Cancer Information Core (BIC) (BRCA2)
Classification: Uncertain significance for Breast-ovarian cancer, familial 2. Review status: no assertion criteria provided. Collection method: clinical testing. Allele origin: somatic. Affected: yes. Observed: 4 variant alleles. Not counted in ClinVar's aggregate classification.

Dr. Peter K. Rogan Lab, Western University
No classification provided (evidence only). Condition: Familial cancer of breast. Review status: no classification provided. Collection method: in vitro. Allele origin: not applicable. Functional consequence: retained intron. Not counted in ClinVar's aggregate classification.

Dr. Peter K. Rogan Lab, Western University
No classification provided (evidence only). Condition: Familial cancer of breast. Review status: no classification provided. Collection method: in vitro. Allele origin: not applicable. Functional consequence: retained intron. Not counted in ClinVar's aggregate classification.

Faculté Pluridciplinaire Nador, Université Mohamed Premier
Classification: Tier III - Unknown for Glioma susceptibility 1. Review status: no assertion criteria provided. Collection method: research. Allele origin: somatic. Affected: yes.
Comment: The following databases and algorithms are used to annotate and evaluate the impact of the variant in the context of human disease: 1000 genomes, gnomAD, ClinVar, OMIM, dbSNP, NCIB RefSeq Genes, ExAC Gene Constraints, VS-SIFT, VS-PolyPhen2, PhyloP, GERP++, GeneSplicer, MaxEntScan, NNSplice, PWM Splice Predictor.

Faculté Pluridciplinaire Nador, Université Mohamed Premier
Classification: Tier III - Unknown for Colorectal cancer. Review status: no assertion criteria provided. Collection method: research. Allele origin: somatic. Affected: yes.
Comment: the same text as in the submission from Faculté Pluridciplinaire Nador, Université Mohamed Premier above.

Faculté Pluridciplinaire Nador, Université Mohamed Premier
Classification: Tier III - Unknown for Lung cancer. Review status: no assertion criteria provided. Collection method: research. Allele origin: somatic. Affected: yes.
Comment: the same text as in the submission from Faculté Pluridciplinaire Nador, Université Mohamed Premier above.

Faculté Pluridciplinaire Nador, Université Mohamed Premier
Classification: Tier III - Unknown for Familial pancreatic carcinoma. Review status: no assertion criteria provided. Collection method: research. Allele origin: somatic. Affected: yes.
Comment: the same text as in the submission from Faculté Pluridciplinaire Nador, Université Mohamed Premier above.

Faculté Pluridciplinaire Nador, Université Mohamed Premier
Classification: Tier III - Unknown for Spindle cell sarcoma. Review status: no assertion criteria provided. Collection method: research. Allele origin: somatic. Affected: yes.
Comment: the same text as in the submission from Faculté Pluridciplinaire Nador, Université Mohamed Premier above.

Faculté Pluridciplinaire Nador, Université Mohamed Premier
Classification: Tier III - Unknown for Adenoid cystic carcinoma. Review status: no assertion criteria provided. Collection method: research. Allele origin: somatic. Affected: yes.
Comment: the same text as in the submission from Faculté Pluridciplinaire Nador, Université Mohamed Premier above.

Faculté Pluridciplinaire Nador, Université Mohamed Premier
Classification: Tier III - Unknown for Hereditary diffuse gastric adenocarcinoma. Review status: no assertion criteria provided. Collection method: research. Allele origin: somatic. Affected: yes.
Comment: the same text as in the submission from Faculté Pluridciplinaire Nador, Université Mohamed Premier above.

Faculté Pluridciplinaire Nador, Université Mohamed Premier
Classification: Tier III - Unknown for Familial cancer of breast. Review status: no assertion criteria provided. Collection method: research. Allele origin: somatic. Affected: yes.
Comment: the same text as in the submission from Faculté Pluridciplinaire Nador, Université Mohamed Premier above.

Literature cited by the submitters: PubMed 17333343 (cited by Sema4); PubMed 10451700 (cited by Sema4).

NM_000059.4(BRCA2):c.68-7del

Gene: BRCA2 (BRCA2 DNA repair associated; plus strand). Cytogenetic location: 13q13.1.
Variant type: Deletion.
Coding change: c.68-7del on transcript NM_000059.4 (MANE Select); 7 bases into the intron before coding-DNA position 68, one base deleted (T; older notation c.68-7delT).
Molecular consequence: intron variant.
Genome position (GRCh38, 1-based): chr13:32,319,070, T deleted; the last of 10 consecutive T bases (chr13:32,319,061-32,319,070); deleting any one gives the same sequence. VCF-style (leftmost placement, unchanged base first): chr13-32319060-AT-A. GRCh37 (hg19) VCF-style: chr13-32893197-AT-A.
Other names: IVS2-7delT; NC_000013.10:g.32893207del; c.68-16delT (NM_000059.3); c.68-7delT (NM_000059.3, NM_000059.4).
Identifiers: ClinVar variation 52188 (VCV000052188.26), dbSNP rs276174878, ClinGen allele CA024535.
Genomic context (GRCh38, chr13:32,319,060, plus strand): 5'-TATGATCTTTAACTGTTCTGGGTCACAAATTTGTCTGTCACTGGTTAAAACTAAGGTGGG[AT>A]TTTTTTTTTAAATAGATTTAGGACCAATAAGTCTTAATTGGTTTGAAGAACTTTCTTCAG-3'